The following is an entry in ClinVar:

ClinVar aggregate classification (germline): Likely pathogenic (1 of 4 stars; one submission).

Conditions:
Neurofibromatosis, type 1 (NF1). Also called: VON RECKLINGHAUSEN DISEASE; Neurofibromatosis, type I; Peripheral type neurofibromatosis; NEUROFIBROMATOSIS, TYPE I, SOMATIC. Identifiers: Orphanet 636, MedGen C0027831, MONDO:0018975, OMIM 162200. Disease mechanism: loss of function.

Submission:

Labcorp Genetics (formerly Invitae), Labcorp
Classification: Likely pathogenic for Neurofibromatosis, type 1. Last evaluated: 2018-05-09. Review status: criteria provided, single submitter. Criteria: Invitae Variant Classification Sherloc (09022015). Collection method: clinical testing. Allele origin: unknown.
Comment: This variant is a gross deletion of the genomic region encompassing exon 25 and part of exon 26 (c.3197+489_3382del) of the NF1 gene. It is expected to disrupt RNA splicing and likely results in an absent or disrupted protein product. This variant has not been reported in the literature in individuals with NF1-related disease. Loss-of-function variants in NF1 are known to be pathogenic (PMID: 10712197, 23913538). In summary, the currently available evidence indicates that the variant is pathogenic, but additional data are needed to prove that conclusively. Therefore, this variant has been classified as Likely Pathogenic.

Literature cited by the submitters: PubMed 10712197; PubMed 23913538.

NC_000017.10:g.(?_29558432)_(29559785_?)del

Gene: NF1 (neurofibromin 1; plus strand). Cytogenetic location: 17q11.2.
Variant type: Deletion.
Identifiers: ClinVar variation 3242908 (VCV003242908.1).